The following is an entry in ClinVar:

ClinVar aggregate classification (germline): Uncertain significance. Review status: criteria provided, multiple submitters, no conflicts (2 of 4 stars). 4 submissions from 4 submitters: Uncertain significance (4). Last evaluated 2025-11-24.

Conditions:
Monocytopenia with susceptibility to infections. Also called: MONOCYTOPENIA AND MYCOBACTERIAL INFECTION SYNDROME; MONOCYTOPENIA WITH SUSCEPTIBILITY TO MYCOBACTERIAL, FUNGAL, AND PAPILLOMAVIRUS INFECTIONS AND MYELODYSPLASIA; COMBINED IMMUNODEFICIENCY WITH SUSCEPTIBILITY TO MYCOBACTERIAL, VIRAL, AND FUNGAL INFECTIONS; Dendritic cell, monocyte, B lymphocyte, and natural killer lymphocyte deficiency; IMMUNODEFICIENCY 21; GATA2 DEFICIENCY. Identifiers: Orphanet 228423, MedGen C3280030, MONDO:0013607, OMIM 614172.
Deafness-lymphedema-leukemia syndrome. Also called: Lymphedema, primary, with myelodysplasia; Emberger syndrome. Identifiers: Orphanet 3226, MedGen C3279664, MONDO:0013540, OMIM 614038.
Inborn genetic diseases. Identifiers: MedGen C0950123, MeSH D030342.
Splenomegaly. Also called: Enlarged Spleen. Identifiers: MedGen C0038002, HP:0001744.
Anemia. Also called: Anemia (disease). Identifiers: MedGen C0002871, MONDO:0002280, HP:0001903.

Allele frequency attached by ClinVar (database versions not stated): TOPMed below 0.00001; gnomAD 0.00001.
gnomAD v4.1: 1 of 1,614,076 alleles (0.000062%); highest among the groups gnomAD compares: Non-Finnish European, 0.000085%; no homozygotes.

Submissions (4):

Ambry Genetics
Classification: Uncertain significance for Inborn genetic diseases. Last evaluated: 2025-11-24. Review status: criteria provided, single submitter. Criteria: Ambry Variant Classification Scheme 2023. Collection method: clinical testing. Allele origin: germline.
Comment: The p.K324R variant (also known as c.971A>G), located in coding exon 3 of the GATA2 gene, results from an A to G substitution at nucleotide position 971. The lysine at codon 324 is replaced by arginine, an amino acid with highly similar properties. This amino acid position is highly conserved in available vertebrate species. In addition, this alteration is predicted to be deleterious by in silico analysis. Based on the available evidence, the clinical significance of this variant remains unclear.

Labcorp Genetics (formerly Invitae), Labcorp
Classification: Uncertain significance for Monocytopenia with susceptibility to infections; Deafness-lymphedema-leukemia syndrome. Last evaluated: 2024-08-26. Review status: criteria provided, single submitter. Criteria: Invitae Variant Classification Sherloc (09022015). Collection method: clinical testing. Allele origin: germline.
Comment: This sequence change replaces lysine, which is basic and polar, with arginine, which is basic and polar, at codon 324 of the GATA2 protein (p.Lys324Arg). This variant is not present in population databases (gnomAD no frequency). This variant has not been reported in the literature in individuals affected with GATA2-related conditions. ClinVar contains an entry for this variant (Variation ID: 523417). Invitae Evidence Modeling of protein sequence and biophysical properties (such as structural, functional, and spatial information, amino acid conservation, physicochemical variation, residue mobility, and thermodynamic stability) has been performed for this missense variant. However, the output from this modeling did not meet the statistical confidence thresholds required to predict the impact of this variant on GATA2 protein function. In summary, the available evidence is currently insufficient to determine the role of this variant in disease. Therefore, it has been classified as a Variant of Uncertain Significance.

Centre for Mendelian Genomics, University Medical Centre Ljubljana
Classification: Uncertain significance for Anemia; Splenomegaly. Last evaluated: 2017-01-01. Review status: criteria provided, single submitter. Criteria: ACMG Guidelines, 2015. Collection method: clinical testing. Allele origin: unknown. Affected: yes.

PreventionGenetics, part of Exact Sciences
Classification: Uncertain significance. Last evaluated: 2015-08-24. Review status: criteria provided, single submitter. Criteria: ACMG Guidelines, 2015. Collection method: clinical testing. Allele origin: germline.

NM_032638.5(GATA2):c.971A>G (p.Lys324Arg)

Gene: GATA2 (GATA binding protein 2; minus strand). Cytogenetic location: 3q21.3.
Variant type: single nucleotide variant.
Coding change: c.971A>G on transcript NM_032638.5 (MANE Select); coding-DNA position 971, A replaced by G.
Protein change: p.Lys324Arg; replaces lysine 324 with arginine.
Molecular consequence: missense variant.
Genome position (GRCh38, 1-based): chr3:128,483,906, T>C on the plus strand (A>G on the coding strand, the complement: GATA2 is on the minus strand). VCF-style: chr3-128483906-T-C. GRCh37 (hg19) VCF-style: chr3-128202749-T-C.
Other names: c.971A>G (NM_032638.4); c.971A>G, p.Lys324Arg (NM_001145661.2, NM_001145662.1); short protein forms K324R.
Identifiers: ClinVar variation 523417 (VCV000523417.13), dbSNP rs1480450110, ClinGen allele CA354404434.